The following is an entry in ClinVar:

NM_014856.3(DENND4B):c.948T>C (p.Arg316=)

Gene: DENND4B (DENN domain containing 4B; minus strand). Cytogenetic location: 1q21.3.
Variant type: single nucleotide variant.
Coding change: c.948T>C on transcript NM_014856.3 (MANE Select); coding-DNA position 948, T replaced by C.
Protein change: p.Arg316=; no amino-acid change (arginine 316 retained).
Molecular consequence: synonymous variant.
Genome position (GRCh38, 1-based): chr1:153,941,976, A>G on the plus strand (T>C on the coding strand, the complement: DENND4B is on the minus strand). VCF-style: chr1-153941976-A-G. GRCh37 (hg19) VCF-style: chr1-153914452-A-G.
Other names: c.981T>C, p.Arg327= (NM_001367466.1).
Identifiers: ClinVar variation 3050560 (VCV003050560.2), dbSNP rs374634665, ClinGen allele CA1121847.
Genomic context (GRCh38, chr1:153,941,976, plus strand): 5'-GAAGGTGAGGAAGGCGCGGAAGGCAGGGAAGGCAGGCCAGCGGGACAGCACAGCGATGGC[A>G]CGCCGGCTGCGCACAGCTCTGCCCCCCAGTGCCCGACCCCGCTCCACGGCGCTCAGCAGG-3'
Protein context (NP_055671.2, residues 306-326): ALGGRAVRSR[Arg316=]AIAVLSRWPA

ClinVar aggregate classification (germline): Likely benign (0 of 4 stars; one submission).

Conditions:
DENND4B-related disorder. Also called: DENND4B-related condition.

Allele frequency attached by ClinVar (database versions not stated): gnomAD 0.00014; TOPMed 0.00015; ExAC 0.00017; gnomAD exomes 0.00019; ESP Exome Variant Server 0.00039; 1000 Genomes Project 0.00040; 1000 Genomes Project 30x 0.00047.
gnomAD v4.1: 312 of 1,612,356 alleles (0.019%); highest among the groups gnomAD compares: Middle Eastern, 0.67%; no homozygotes.

Submission:

PreventionGenetics, part of Exact Sciences
Classification: Likely benign for DENND4B-related condition. Last evaluated: 2019-07-24. Review status: no assertion criteria provided. Collection method: clinical testing. Allele origin: germline.
Comment: This variant is classified as likely benign based on ACMG/AMP sequence variant interpretation guidelines (Richards et al. 2015 PMID: 25741868, with internal and published modifications).